The following is an entry in ClinVar:

ClinVar aggregate classification (germline): Uncertain significance (1 of 4 stars; one submission).

Submission:

GeneDx
Classification: Uncertain significance. Last evaluated: 2023-04-10. Review status: criteria provided, single submitter. Criteria: GeneDx Variant Classification Process June 2021. Collection method: clinical testing. Allele origin: germline. Affected: yes.
Comment: Not observed at significant frequency in large population cohorts (gnomAD); In silico analysis supports that this missense variant does not alter protein structure/function; Has not been previously published as pathogenic or benign to our knowledge

NM_001372044.2(SHANK3):c.2767T>C (p.Tyr923His)

Gene: SHANK3 (SH3 and multiple ankyrin repeat domains 3; plus strand). Cytogenetic location: 22q13.33.
Variant type: single nucleotide variant.
Coding change: c.2767T>C on transcript NM_001372044.2 (MANE Select); coding-DNA position 2767, T replaced by C.
Protein change: p.Tyr923His; replaces tyrosine 923 with histidine.
Molecular consequence: missense variant.
Genome position (GRCh38, 1-based): chr22:50,720,375, T>C. VCF-style: chr22-50720375-T-C. GRCh37 (hg19) VCF-style: chr22-51158803-T-C.
Other names: c.2542T>C (NM_033517.1); short protein forms Y923H.
Identifiers: ClinVar variation 3340938 (VCV003340938.1).